The following is an entry in ClinVar:

ClinVar aggregate classification (germline): Uncertain significance (1 of 4 stars; one submission).

Submission:

Labcorp Genetics (formerly Invitae), Labcorp
Classification: Uncertain significance. Last evaluated: 2024-08-05. Review status: criteria provided, single submitter. Criteria: Invitae Variant Classification Sherloc (09022015). Collection method: clinical testing. Allele origin: germline.
Comment: This variant, c.5494_5514dup, results in the insertion of 7 amino acid(s) of the MTOR protein (p.Ala1832_Ala1838dup), but otherwise preserves the integrity of the reading frame. This variant is present in population databases (rs775983598, gnomAD 0.002%). This variant has not been reported in the literature in individuals affected with MTOR-related conditions. In summary, the available evidence is currently insufficient to determine the role of this variant in disease. Therefore, it has been classified as a Variant of Uncertain Significance.

NM_004958.4(MTOR):c.5494_5514dup (p.Ala1838_Thr1839insAlaThrThrAlaAlaThrAla)

Gene: MTOR (mechanistic target of rapamycin kinase; minus strand). Cytogenetic location: 1p36.22.
Variant type: Duplication.
Coding change: c.5494_5514dup on transcript NM_004958.4 (MANE Select); coding-DNA positions 5494 to 5514, 21 bases duplicated (GCCACCACGGCCGCCACTGCC).
Protein change: p.Ala1838_Thr1839insAlaThrThrAlaAlaThrAla.
Genome position (GRCh38, 1-based): chr1:11,130,628-11,130,648, GGCAGTGGCGGCCGTGGTGGC duplicated on the plus strand (GCCACCACGGCCGCCACTGCC on the coding strand, the reverse complement: MTOR is on the minus strand); duplicating any 21 consecutive bases within chr1:11,130,628-11,130,656 gives the same sequence; the c. name uses the placement nearest the transcript's 3' end. VCF-style (leftmost placement, unchanged base first): chr1-11130627-T-TGGCAGTGGCGGCCGTGGTGGC. GRCh37 (hg19) VCF-style: chr1-11190684-T-TGGCAGTGGCGGCCGTGGTGGC.
Other names: c.5494_5514dup, p.Ala1838_Thr1839insAlaThrThrAlaAlaThrAla (NM_001386500.1); c.4246_4266dup, p.Ala1422_Thr1423insAlaThrThrAlaAlaThrAla (NM_001386501.1).
Identifiers: ClinVar variation 3674294 (VCV003674294.2).